The following is an entry in ClinVar:

NM_152416.4(NDUFAF6):c.9C>T (p.Ala3=)

Genes: NDUFAF6 (NADH:ubiquinone oxidoreductase complex assembly factor 6; plus strand), LOC113788297 (Sharpr-MPRA regulatory region 2014; plus strand). Cytogenetic location: 8q22.1.
Variant type: single nucleotide variant.
Coding change: c.9C>T on transcript NM_152416.4 (MANE Select); coding-DNA position 9, C replaced by T.
Protein change: p.Ala3=; no amino-acid change (alanine 3 retained).
Molecular consequence: synonymous variant. On other transcripts: 5 prime UTR variant (12), non-coding transcript variant (6), intron variant (7).
Genome position (GRCh38, 1-based): chr8:95,025,017, C>T. VCF-style: chr8-95025017-C-T. GRCh37 (hg19) VCF-style: chr8-96037245-C-T.
Other names: c.-272C>T (NM_001330582.2, NM_001354521.2); c.-225C>T (NM_001354517.2); c.-444C>T (NM_001354518.2); c.-440C>T (NM_001354519.2); c.-789C>T (NM_001354527.2); c.-760C>T (NM_001354528.2); c.-572C>T (NM_001354529.2); c.-674C>T (NM_001354530.2); and 9 more.
Identifiers: ClinVar variation 738240 (VCV000738240.9), dbSNP rs897112748, ClinGen allele CA181466966.

ClinVar aggregate classification (germline): Conflicting classifications of pathogenicity. Review status: criteria provided, conflicting classifications (1 of 4 stars). 2 submissions from 2 submitters: Uncertain significance (1); Likely benign (1). Last evaluated 2025-02-03.

Allele frequency attached by ClinVar (database versions not stated): TOPMed 0.00002; gnomAD 0.00003 and 0.00004.
gnomAD v4.1: 19 of 1,344,732 alleles (0.0014%); highest among the groups gnomAD compares: Non-Finnish European, 0.0018%; no homozygotes.

Submissions (2):

Labcorp Genetics (formerly Invitae), Labcorp
Classification: Likely benign. Last evaluated: 2025-02-03. Review status: criteria provided, single submitter. Criteria: Invitae Variant Classification Sherloc (09022015). Collection method: clinical testing. Allele origin: germline.

GeneDx
Classification: Uncertain significance. Last evaluated: 2024-05-24. Review status: criteria provided, single submitter. Criteria: GeneDx Variant Classification Process June 2021. Collection method: clinical testing. Allele origin: germline. Affected: yes.
Comment: Not observed at significant frequency in large population cohorts (gnomAD); In silico analysis indicates that this variant does not alter splicing; Has not been previously published as pathogenic or benign to our knowledge